The following is an entry in ClinVar:

NM_133433.4(NIPBL):c.5464G>A (p.Asp1822Asn)

Gene: NIPBL (NIPBL cohesin loading factor; plus strand). Cytogenetic location: 5p13.2.
Variant type: single nucleotide variant.
Coding change: c.5464G>A on transcript NM_133433.4 (MANE Select); coding-DNA position 5464, G replaced by A.
Protein change: p.Asp1822Asn; replaces aspartic acid 1822 with asparagine.
Molecular consequence: missense variant.
Genome position (GRCh38, 1-based): chr5:37,022,280, G>A. VCF-style: chr5-37022280-G-A. GRCh37 (hg19) VCF-style: chr5-37022382-G-A.
Other names: c.5464G>A, p.Asp1822Asn (NM_015384.5); short protein forms D1822N.
Identifiers: ClinVar variation 2203633 (VCV002203633.4), dbSNP rs587783976, ClinGen allele CA359490260.

ClinVar aggregate classification (germline): Likely pathogenic (1 of 4 stars; one submission).

Conditions:
Cornelia de Lange syndrome 1 (CDLS1). Also called: TYPUS DEGENERATIVUS AMSTELODAMENSIS; Brachmann de Lange syndrome; NIPBL-Related Cornelia de Lange Syndrome. Identifiers: Orphanet 199, MedGen C4551851, MONDO:0007387, OMIM 122470.

Submission:

Labcorp Genetics (formerly Invitae), Labcorp
Classification: Likely pathogenic for Cornelia de Lange syndrome 1. Last evaluated: 2022-03-13. Review status: criteria provided, single submitter. Criteria: Invitae Variant Classification Sherloc (09022015). Collection method: clinical testing. Allele origin: germline.
Comment: In summary, the currently available evidence indicates that the variant is pathogenic, but additional data are needed to prove that conclusively. Therefore, this variant has been classified as Likely Pathogenic. This variant disrupts the p.Asp1822 amino acid residue in NIPBL. Other variant(s) that disrupt this residue have been observed in individuals with NIPBL-related conditions (PMID: 28425213, 29620724), which suggests that this may be a clinically significant amino acid residue. Advanced modeling of protein sequence and biophysical properties (such as structural, functional, and spatial information, amino acid conservation, physicochemical variation, residue mobility, and thermodynamic stability) performed at Invitae indicates that this missense variant is expected to disrupt NIPBL protein function. This missense change has been observed in individuals with Cornelia de Lange syndrome (PMID: 28425213; Invitae). This variant is not present in population databases (gnomAD no frequency). This sequence change replaces aspartic acid, which is acidic and polar, with asparagine, which is neutral and polar, at codon 1822 of the NIPBL protein (p.Asp1822Asn).

Literature cited by the submitters: PubMed 28425213; PubMed 29620724.